The following is an entry in ClinVar:

ClinVar aggregate classification (germline): Uncertain significance (1 of 4 stars; one submission).

Conditions:
Inborn genetic diseases. Identifiers: MedGen C0950123, MeSH D030342.

Submission:

Ambry Genetics
Classification: Uncertain significance for Inborn genetic diseases. Last evaluated: 2025-10-27. Review status: criteria provided, single submitter. Criteria: Ambry Variant Classification Scheme 2023. Collection method: clinical testing. Allele origin: germline.
Comment: The p.S983I variant (also known as c.2948G>T), located in coding exon 29 of the RTEL1 gene, results from a G to T substitution at nucleotide position 2948. The serine at codon 983 is replaced by isoleucine, an amino acid with dissimilar properties. This amino acid position is conserved. In addition, this alteration is predicted to be tolerated by in silico analysis. Based on the available evidence, the clinical significance of this variant remains unclear.

NM_001283009.2(RTEL1):c.2948G>T (p.Ser983Ile)

Genes: RTEL1 (regulator of telomere elongation helicase 1; plus strand), RTEL1-TNFRSF6B (RTEL1-TNFRSF6B readthrough (NMD candidate); plus strand). Cytogenetic location: 20q13.33.
Variant type: single nucleotide variant.
Coding change: c.2948G>T on transcript NM_001283009.2 (MANE Select); coding-DNA position 2948, G replaced by T.
Protein change: p.Ser983Ile; replaces serine 983 with isoleucine.
Molecular consequence: missense variant. On other transcripts: non-coding transcript variant (1).
Genome position (GRCh38, 1-based): chr20:63,693,239, G>T. VCF-style: chr20-63693239-G-T. GRCh37 (hg19) VCF-style: chr20-62324592-G-T.
Other names: c.2279G>T, p.Ser760Ile (NM_001283010.1); c.2948G>T, p.Ser983Ile (NM_016434.4); c.3020G>T, p.Ser1007Ile (NM_032957.5); short protein forms S1007I, S983I, S760I.
Identifiers: ClinVar variation 4629573 (VCV004629573.1).